The following is an entry in ClinVar:

ClinVar aggregate classification (germline): Pathogenic. Review status: reviewed by expert panel (3 of 4 stars). 2 submissions from 2 submitters: Pathogenic (1). 1 of the submissions does not count toward it. Last evaluated 2016-10-18.

Conditions:
Breast-ovarian cancer, familial, susceptibility to, 1 (BROVCA1). Also called: BRCA1 Hereditary Breast and Ovarian Cancer; OVARIAN CANCER, SUSCEPTIBILITY TO. Identifiers: Orphanet 145, MedGen C2676676, MONDO:0011450, OMIM 604370. Disease mechanism: loss of function.

Submissions (2):

Evidence-based Network for the Interpretation of Germline Mutant Alleles (ENIGMA)
Classification: Pathogenic for Breast-ovarian cancer, familial, susceptibility to, 1. Last evaluated: 2016-10-18. Review status: reviewed by expert panel. Criteria: ENIGMA BRCA1/2 Classification Criteria (2015). Collection method: curation. Allele origin: germline.
Comment: Variant allele predicted to encode a truncated non-functional protein.

Consortium of Investigators of Modifiers of BRCA1/2 (CIMBA), c/o University of Cambridge
Classification: Pathogenic for Breast-ovarian cancer, familial, susceptibility to, 1. Last evaluated: 2015-10-02. Review status: criteria provided, single submitter. Criteria: CIMBA Mutation Classification guidelines May 2016. Collection method: clinical testing. Allele origin: germline. Not counted in ClinVar's aggregate classification.

NM_007294.4(BRCA1):c.1017_1018insA (p.Val340fs)

Gene: BRCA1 (BRCA1 DNA repair associated; minus strand). Cytogenetic location: 17q21.31.
Variant type: Insertion.
Coding change: c.1017_1018insA on transcript NM_007294.4 (MANE Select); coding-DNA positions 1017 to 1018, A inserted.
Protein change: p.Val340fs; shifts the reading frame from valine 340.
Molecular consequence: frameshift variant. On other transcripts: intron variant (137).
Genome position: GRCh38 VCF-style: chr17-43094513-C-CT. GRCh37 (hg19) VCF-style: chr17-41246530-C-CT.
Other names: 1136insA; c.1017_1018insA, p.Val340fs (NM_001407596.1, NM_001407597.1, NM_001407598.1 and 30 more transcripts); c.1014_1015insA, p.Val339fs (NM_001407610.1, NM_001407611.1, NM_001407627.1 and 22 more transcripts); c.1008_1009insA, p.Val337fs (NM_001407646.1, NM_001407647.1); c.894_895insA, p.Val299fs (NM_001407648.1, NM_001407664.1, NM_001407665.1 and 19 more transcripts); c.936_937insA, p.Val313fs (NM_001407661.1, NM_001407662.1, NM_001407659.1 and 1 more transcripts); c.939_940insA, p.Val314fs (NM_001407663.1, NM_001407653.1, NM_001407654.1 and 4 more transcripts); c.891_892insA, p.Val298fs (NM_001407685.1, NM_001407686.1, NM_001407649.1 and 11 more transcripts); and 41 more; short protein forms V293fs, V340fs, V251fs, V212fs, V228fs, V272fs, V298fs, V172fs.
Identifiers: ClinVar variation 266131 (VCV000266131.6), dbSNP rs886039921, ClinGen allele CA10589972.